The following is an entry in ClinVar:

NM_004937.3(CTNS):c.*1633C>G

Gene: CTNS (cystinosin, lysosomal cystine transporter; plus strand). Cytogenetic location: 17p13.2.
Variant type: single nucleotide variant.
Coding change: c.*1633C>G on transcript NM_004937.3 (MANE Select); 1633 bases downstream of the stop codon, C replaced by G.
Molecular consequence: 3 prime UTR variant.
Genome position (GRCh38, 1-based): chr17:3,662,002, C>G. VCF-style: chr17-3662002-C-G. GRCh37 (hg19) VCF-style: chr17-3565296-C-G.
Other names: c.*1268C>G (NM_001031681.3, NM_001374492.1); c.*1633C>G (NM_001374493.1, NM_001374494.1, NM_001374495.1 and 1 more transcripts).
Identifiers: ClinVar variation 322897 (VCV000322897.5), dbSNP rs112032534, ClinGen allele CA10645488.

ClinVar aggregate classification (germline): Benign. Review status: criteria provided, single submitter (1 of 4 stars). 2 submissions from 1 submitter: Benign (2). Last evaluated 2018-01-13.

Conditions:
Ocular cystinosis. Also called: Non-Nephropathic (Ocular) Cystinosis; Non-Nephropathic Cystinosis. Identifiers: Orphanet 213, Orphanet 411641, MedGen C2931013, MONDO:0009064, OMIM 219750.
Nephropathic cystinosis (CTNS). Also called: CYSTINOSIN, DEFECT OF; LYSOSOMAL CYSTINE TRANSPORT PROTEIN, DEFECT OF; Abderhalden Lignac Kaufmann disease; Abderhalden-Kaufmann-Lignac syndrome. Identifiers: Orphanet 213, Orphanet 411629, MedGen C2931187, MONDO:0100151, OMIM 219800.

Allele frequency attached by ClinVar (database versions not stated): 1000 Genomes Project 0.03295; 1000 Genomes Project 30x 0.03545; gnomAD 0.03630 and 0.03822; TOPMed 0.03716.

Submissions (2):

Illumina Laboratory Services, Illumina
Classification: Benign for Nephropathic cystinosis. Last evaluated: 2018-01-13. Review status: criteria provided, single submitter. Criteria: ICSL Variant Classification Criteria 13 December 2019. Collection method: clinical testing. Allele origin: germline.
Comment: This variant was observed in the ICSL laboratory as part of a predisposition screen in an ostensibly healthy population. It had not been previously curated by ICSL or reported in the Human Gene Mutation Database (HGMD: prior to June 1st, 2018), and was therefore a candidate for classification through an automated scoring system. Utilizing variant allele frequency, disease prevalence and penetrance estimates, and inheritance mode, an automated score was calculated to assess if this variant is too frequent to cause the disease. Based on the score and internal cut-off values, a variant classified as benign is not then subjected to further curation. The score for this variant resulted in a classification of benign for this disease.

Illumina Laboratory Services, Illumina
Classification: Benign for Ocular cystinosis. Last evaluated: 2018-01-13. Review status: criteria provided, single submitter. Criteria: ICSL Variant Classification Criteria 13 December 2019. Collection method: clinical testing. Allele origin: germline.
Comment: the same text as in the submission from Illumina Laboratory Services, Illumina above.